The following is an entry in ClinVar:

ClinVar aggregate classification (germline): Conflicting classifications of pathogenicity. Review status: criteria provided, conflicting classifications (1 of 4 stars). 3 submissions from 3 submitters: Uncertain significance (2); Likely benign (1). Last evaluated 2022-08-22.

Conditions:
Glycine encephalopathy. Also called: Non-ketotic hyperglycinemia; Nonketotic hyperglycinemia. Identifiers: Orphanet 407, MedGen C0751748, MONDO:0011612, HP:0008288.

Allele frequency attached by ClinVar (database versions not stated): ExAC 0.00001; TOPMed 0.00001; ESP Exome Variant Server 0.00008.
gnomAD v4.1: 19 of 1,613,812 alleles (0.0012%); highest among the groups gnomAD compares: East Asian, 0.0067%; 1 homozygote.

Submissions (3):

Labcorp Genetics (formerly Invitae), Labcorp
Classification: Uncertain significance for Glycine encephalopathy. Last evaluated: 2022-08-22. Review status: criteria provided, single submitter. Criteria: Invitae Variant Classification Sherloc (09022015). Collection method: clinical testing. Allele origin: germline.
Comment: This sequence change replaces valine, which is neutral and non-polar, with isoleucine, which is neutral and non-polar, at codon 785 of the GLDC protein (p.Val785Ile). This variant is present in population databases (rs372101832, gnomAD 0.003%). This variant has not been reported in the literature in individuals affected with GLDC-related conditions. ClinVar contains an entry for this variant (Variation ID: 1695754). Advanced modeling of protein sequence and biophysical properties (such as structural, functional, and spatial information, amino acid conservation, physicochemical variation, residue mobility, and thermodynamic stability) performed at Invitae indicates that this missense variant is not expected to disrupt GLDC protein function. In summary, the available evidence is currently insufficient to determine the role of this variant in disease. Therefore, it has been classified as a Variant of Uncertain Significance.

GeneDx
Classification: Uncertain significance. Last evaluated: 2022-01-07. Review status: criteria provided, single submitter. Criteria: GeneDx Variant Classification Process June 2021. Collection method: clinical testing. Allele origin: germline. Affected: yes.
Comment: Not observed at significant frequency in large population cohorts (gnomAD); In silico analysis supports that this missense variant does not alter protein structure/function; Has not been previously published as pathogenic or benign to our knowledge

Blueprint Genetics
Classification: Likely benign. Last evaluated: 2020-11-03. Review status: criteria provided, single submitter. Criteria: ACMG Guidelines, 2015. Collection method: clinical testing. Allele origin: germline.

NM_000170.3(GLDC):c.2353G>A (p.Val785Ile)

Gene: GLDC (glycine decarboxylase; minus strand). Cytogenetic location: 9p24.1.
Variant type: single nucleotide variant.
Coding change: c.2353G>A on transcript NM_000170.3 (MANE Select); coding-DNA position 2353, G replaced by A.
Protein change: p.Val785Ile; replaces valine 785 with isoleucine.
Molecular consequence: missense variant.
Genome position (GRCh38, 1-based): chr9:6,553,472, C>T on the plus strand (G>A on the coding strand, the complement: GLDC is on the minus strand). VCF-style: chr9-6553472-C-T. GRCh37 (hg19) VCF-style: chr9-6553472-C-T.
Other names: short protein forms V785I.
Identifiers: ClinVar variation 1695754 (VCV001695754.5), dbSNP rs372101832, ClinGen allele CA4980252.
Genomic context (GRCh38, chr9:6,553,472, plus strand): 5'-ATGGGGCCGCACTGACGGTTCCCACAGGACAGGCATCCTCATTCCGCTTTAGTGAAATGA[C>T]GGGATGATTGGGCAAAAACGGGGCGAGATGTTTCTTCCTGTATTTTTTTTAAGTGCAAAT-3'
Protein context (NP_000161.2, residues 775-795): HLAPFLPNHP[Val785Ile]ISLKRNEDAC